The following is an entry in ClinVar:

NM_003482.4(KMT2D):c.10233C>A (p.Asp3411Glu)

Gene: KMT2D (lysine methyltransferase 2D; minus strand). Cytogenetic location: 12q13.12.
Variant type: single nucleotide variant.
Coding change: c.10233C>A on transcript NM_003482.4 (MANE Select); coding-DNA position 10233, C replaced by A.
Protein change: p.Asp3411Glu; replaces aspartic acid 3411 with glutamic acid.
Molecular consequence: missense variant.
Genome position (GRCh38, 1-based): chr12:49,034,934, G>T on the plus strand (C>A on the coding strand, the complement: KMT2D is on the minus strand). VCF-style: chr12-49034934-G-T. GRCh37 (hg19) VCF-style: chr12-49428717-G-T.
Other names: short protein forms D3411E.
Identifiers: ClinVar variation 4729841 (VCV004729841.1).

ClinVar aggregate classification (germline): Uncertain significance (1 of 4 stars; one submission).

Conditions:
Kabuki syndrome. Also called: Kabuki make-up syndrome; NIIKAWA-KUROKI SYNDROME. Identifiers: Orphanet 2322, MedGen C0796004, MONDO:0016512.

Submission:

Labcorp Genetics (formerly Invitae), Labcorp
Classification: Uncertain significance for Kabuki syndrome. Last evaluated: 2025-10-25. Review status: criteria provided, single submitter. Criteria: Invitae Variant Classification Sherloc (09022015). Collection method: clinical testing. Allele origin: germline.
Comment: This sequence change replaces aspartic acid, which is acidic and polar, with glutamic acid, which is acidic and polar, at codon 3411 of the KMT2D protein (p.Asp3411Glu). This variant is not present in population databases (gnomAD no frequency). This variant has not been reported in the literature in individuals affected with KMT2D-related conditions. An algorithm developed to predict the effect of missense changes on protein structure and function (PolyPhen-2) suggests that this variant is likely to be disruptive. In summary, the available evidence is currently insufficient to determine the role of this variant in disease. Therefore, it has been classified as a Variant of Uncertain Significance.